The following is an entry in ClinVar:

NM_004614.5(TK2):c.332C>T (p.Thr111Ile)

Gene: TK2 (thymidine kinase 2; minus strand). Cytogenetic location: 16q21.
Variant type: single nucleotide variant.
Coding change: c.332C>T on transcript NM_004614.5 (MANE Select); coding-DNA position 332, C replaced by T.
Protein change: p.Thr111Ile; replaces threonine 111 with isoleucine.
Molecular consequence: missense variant. On other transcripts: non-coding transcript variant (1).
Genome position (GRCh38, 1-based): chr16:66,531,423, G>A on the plus strand (C>T on the coding strand, the complement: TK2 is on the minus strand). VCF-style: chr16-66531423-G-A. GRCh37 (hg19) VCF-style: chr16-66565326-G-A.
Other names: c.239C>T, p.Thr80Ile (NM_001172643.1, NM_001271935.1); c.257C>T, p.Thr86Ile (NM_001172644.2); c.278C>T, p.Thr93Ile (NM_001172645.2); c.185C>T, p.Thr62Ile (NM_001271934.2); c.41C>T, p.Thr14Ile (NM_001272050.2); short protein forms T111I, T14I, T62I, T80I, T86I, T93I.
Identifiers: ClinVar variation 3778862 (VCV003778862.2).

ClinVar aggregate classification (germline): Uncertain significance (1 of 4 stars; one submission).

Conditions:
Mitochondrial disease. Also called: Mitochondrial disorders; Mitochondrial disorder. Identifiers: Orphanet 68380, MedGen C0751651, MeSH D028361, MONDO:0044970.

gnomAD v4.1: 2 of 1,614,230 alleles (0.00012%); highest among the groups gnomAD compares: Non-Finnish European, 0.000085%; no homozygotes.

Submission:

Genomenon, Inc
Classification: Uncertain significance for Mitochondrial disease. Last evaluated: 2025-11-24. Review status: criteria provided, single submitter. Criteria: Genomenon Sequence Variant Interpretation Standards - Updated. Collection method: curation. Allele origin: germline. Affected: yes.
Comment: TK2 p.Thr111Ile (c.332C>T) is a missense variant that changes the amino acid at residue 111 from Threonine to Isoleucine. This variant has been observed in a proband affected with mitochondrial disease in the compound heterozygous state (24953930). This variant is not present at a significant frequency in gnomAD, and in silico models agree that this variant is possibly or probably damaging. In conclusion, we classify TK2 p.Thr111Ile (c.332C>T) as a variant of uncertain significance.

Literature cited by the submitters: PubMed 24953930.